The following is an entry in ClinVar:

NM_001165963.4(SCN1A):c.1834del (p.Arg612fs)

Gene: SCN1A (sodium voltage-gated channel alpha subunit 1; minus strand). Cytogenetic location: 2q24.3.
Variant type: Deletion.
Coding change: c.1834del on transcript NM_001165963.4 (MANE Select); coding-DNA position 1834, one base deleted (C; older notation c.1834delC).
Protein change: p.Arg612fs; shifts the reading frame from arginine 612.
Molecular consequence: frameshift variant. On other transcripts: 5 prime UTR variant (1), non-coding transcript variant (1).
Genome position (GRCh38, 1-based): chr2:166,043,878, G deleted on the plus strand (C on the coding strand, the reverse complement: SCN1A is on the minus strand); the first of 4 consecutive G bases (chr2:166,043,878-166,043,881); deleting any one gives the same sequence. VCF-style (leftmost placement, unchanged base first): chr2-166043877-CG-C. GRCh37 (hg19) VCF-style: chr2-166900387-CG-C.
Other names: c.1831del, p.Arg611fs (NM_001353960.2, NM_001353954.2, NM_001353955.2); c.-592del (NM_001353961.2); c.1834del, p.Arg612fs (NM_006920.6, NM_001165964.3, NM_001202435.3 and 7 more transcripts); short protein forms R612fs, R611fs.
Identifiers: ClinVar variation 2760893 (VCV002760893.3), dbSNP rs2105843194, ClinGen allele CA2697551228.
Genomic context (GRCh38, chr2:166,043,877, plus strand): 5'-AGCATCCGGGATGACCTACTGGTCTGACTCAGGTTGCTGTTGCGTCTCTCTCCGTGTCGT[CG>C]GGGCACAAACAAGGAATCTCTACGGCTCTCGTTATCCTCAAAGGTGCTGTGCTCATCATC-3'

ClinVar aggregate classification (germline): Pathogenic (1 of 4 stars; one submission).

Conditions:
Early-infantile DEE. Also called: Ohtahara syndrome; Early infantile epileptic encephalopathy; Early infantile epileptic encephalopathy with suppression bursts. Identifiers: Orphanet 1934, MedGen C0393706, MONDO:0800491.

Submission:

Labcorp Genetics (formerly Invitae), Labcorp
Classification: Pathogenic for Early-infantile DEE. Last evaluated: 2025-06-19. Review status: criteria provided, single submitter. Criteria: Invitae Variant Classification Sherloc (09022015). Collection method: clinical testing. Allele origin: germline.
Comment: This sequence change creates a premature translational stop signal (p.Arg612Aspfs*11) in the SCN1A gene. It is expected to result in an absent or disrupted protein product. Loss-of-function variants in SCN1A are known to be pathogenic (PMID: 17347258, 18930999). This variant is not present in population databases (gnomAD no frequency). This variant has not been reported in the literature in individuals affected with SCN1A-related conditions. ClinVar contains an entry for this variant (Variation ID: 2760893). For these reasons, this variant has been classified as Pathogenic.

Literature cited by the submitters: PubMed 17347258; PubMed 18930999.